The following is an entry in ClinVar:

ClinVar aggregate classification (germline): Benign/Likely benign. Review status: criteria provided, multiple submitters, no conflicts (2 of 4 stars). 7 submissions from 7 submitters: Benign (2); Likely benign (5). Last evaluated 2026-01-31.

Conditions:
Long QT syndrome (LQTS). Identifiers: MedGen C0023976, MeSH D008133, MONDO:0002442. Disease mechanism: loss of function. Inheritance: Various modes of inheritance.
Long QT syndrome 12 (LQT12). Identifiers: Orphanet 101016, Orphanet 768, MedGen C2751830, MONDO:0013062, OMIM 612955.
Cardiovascular phenotype. Identifiers: MedGen CN230736.

Allele frequency attached by ClinVar (database versions not stated): gnomAD exomes 0.00013 and 0.00026; ExAC 0.00040; gnomAD 0.00115 and 0.00125; TOPMed 0.00120; ESP Exome Variant Server 0.00185.
gnomAD v4.1: 364 of 1,611,794 alleles (0.023%); highest among the groups gnomAD compares: African/African-American, 0.41%; no homozygotes.

Submissions (7):

Labcorp Genetics (formerly Invitae), Labcorp
Classification: Benign for Long QT syndrome. Last evaluated: 2026-01-31. Review status: criteria provided, single submitter. Criteria: Invitae Variant Classification Sherloc (09022015). Collection method: clinical testing. Allele origin: germline.

Blueprint Genetics
Classification: Likely benign. Last evaluated: 2024-10-24. Review status: criteria provided, single submitter. Criteria: ACMG Guidelines, 2015. Collection method: clinical testing. Allele origin: germline.

Women's Health and Genetics/Laboratory Corporation of America, LabCorp
Classification: Benign. Last evaluated: 2024-04-08. Review status: criteria provided, single submitter. Criteria: LabCorp Variant Classification Summary - May 2015. Collection method: clinical testing. Allele origin: germline.

ARUP Laboratories, Molecular Genetics and Genomics, ARUP Laboratories
Classification: Likely benign for Long QT syndrome 12. Last evaluated: 2021-02-04. Review status: criteria provided, single submitter. Criteria: ARUP Molecular Germline Variant Investigation Process 2021. Collection method: clinical testing. Allele origin: germline.

GeneDx
Classification: Likely benign. Last evaluated: 2020-12-10. Review status: criteria provided, single submitter. Criteria: GeneDx Variant Classification Process June 2021. Collection method: clinical testing. Allele origin: germline. Affected: yes.

Illumina Laboratory Services, Illumina
Classification: Likely benign for Long QT syndrome 12. Last evaluated: 2018-01-13. Review status: criteria provided, single submitter. Criteria: ICSL Variant Classification Criteria 13 December 2019. Collection method: clinical testing. Allele origin: germline.
Comment: This variant was observed in the ICSL laboratory as part of a predisposition screen in an ostensibly healthy population. It had not been previously curated by ICSL or reported in the Human Gene Mutation Database (HGMD: prior to June 1st, 2018), and was therefore a candidate for classification through an automated scoring system. Utilizing variant allele frequency, disease prevalence and penetrance estimates, and inheritance mode, an automated score was calculated to assess if this variant is too frequent to cause the disease. Based on the score and internal cut-off values, a variant classified as likely benign is not then subjected to further curation. The score for this variant resulted in a classification of likely benign for this disease.

Ambry Genetics
Classification: Likely benign for Cardiovascular phenotype. Last evaluated: 2017-12-14. Review status: criteria provided, single submitter. Criteria: Ambry Variant Classification Scheme 2023. Collection method: clinical testing. Allele origin: germline.

NM_003098.3(SNTA1):c.993C>T (p.Arg331=)

Gene: SNTA1 (syntrophin alpha 1; minus strand). Cytogenetic location: 20q11.21.
Variant type: single nucleotide variant.
Coding change: c.993C>T on transcript NM_003098.3 (MANE Select); coding-DNA position 993, C replaced by T.
Protein change: p.Arg331=; no amino-acid change (arginine 331 retained).
Molecular consequence: synonymous variant.
Genome position (GRCh38, 1-based): chr20:33,412,343, G>A on the plus strand (C>T on the coding strand, the complement: SNTA1 is on the minus strand). VCF-style: chr20-33412343-G-A. GRCh37 (hg19) VCF-style: chr20-32000149-G-A.
Identifiers: ClinVar variation 338216 (VCV000338216.28), dbSNP rs143309917, ClinGen allele CA9817083.